The following is an entry in ClinVar:

NM_003118.4(SPARC):c.208A>G (p.Asn70Asp)

Gene: SPARC (secreted protein acidic and cysteine rich; minus strand). Cytogenetic location: 5q33.1.
Variant type: single nucleotide variant.
Coding change: c.208A>G on transcript NM_003118.4 (MANE Select); coding-DNA position 208, A replaced by G.
Protein change: p.Asn70Asp; replaces asparagine 70 with aspartic acid.
Molecular consequence: missense variant.
Genome position (GRCh38, 1-based): chr5:151,673,129, T>C on the plus strand (A>G on the coding strand, the complement: SPARC is on the minus strand). VCF-style: chr5-151673129-T-C. GRCh37 (hg19) VCF-style: chr5-151052690-T-C.
Other names: c.205A>G, p.Asn69Asp (NM_001309443.2); c.208A>G, p.Asn70Asp (NM_001309444.2); short protein forms N69D, N70D.
Identifiers: ClinVar variation 2081139 (VCV002081139.1), dbSNP rs1218551585, ClinGen allele CA361835919.

ClinVar aggregate classification (germline): Uncertain significance (1 of 4 stars; one submission).

Allele frequency attached by ClinVar (database versions not stated): gnomAD exomes below 0.00001.

Submission:

Labcorp Genetics (formerly Invitae), Labcorp
Classification: Uncertain significance. Last evaluated: 2022-07-25. Review status: criteria provided, single submitter. Criteria: Invitae Variant Classification Sherloc (09022015). Collection method: clinical testing. Allele origin: germline.
Comment: This sequence change replaces asparagine, which is neutral and polar, with aspartic acid, which is acidic and polar, at codon 70 of the SPARC protein (p.Asn70Asp). This variant is present in population databases (no rsID available, gnomAD 0.007%). This variant has not been reported in the literature in individuals affected with SPARC-related conditions. Algorithms developed to predict the effect of missense changes on protein structure and function are either unavailable or do not agree on the potential impact of this missense change (SIFT: "Tolerated"; PolyPhen-2: "Possibly Damaging"; Align-GVGD: "Class C0"). In summary, the available evidence is currently insufficient to determine the role of this variant in disease. Therefore, it has been classified as a Variant of Uncertain Significance.